The following is an entry in ClinVar:

NM_001148.6(ANK2):c.7245C>A (p.Ser2415Arg)

Genes: ANK2 (ankyrin 2; plus strand), LOC126807137 (CDK7 strongly-dependent group 2 enhancer GRCh37_chr4:114276560-114277759; plus strand). Cytogenetic location: 4q26.
Variant type: single nucleotide variant.
Coding change: c.7245C>A on transcript NM_001148.6 (MANE Select); coding-DNA position 7245, C replaced by A.
Protein change: p.Ser2415Arg; replaces serine 2415 with arginine.
Molecular consequence: missense variant. On other transcripts: intron variant (68).
Genome position (GRCh38, 1-based): chr4:113,355,863, C>A. VCF-style: chr4-113355863-C-A. GRCh37 (hg19) VCF-style: chr4-114277019-C-A.
Other names: c.7011C>A, p.Ser2337Arg (NM_001386142.1); c.3645C>A, p.Ser1215Arg (NM_001386166.1); c.7386C>A, p.Ser2462Arg (NM_001386174.1); c.7362C>A, p.Ser2454Arg (NM_001386175.1); c.4412-4960C>A (NM_001386186.2, NM_001386148.2); c.4214-4960C>A (NM_001354269.3); c.4292-4960C>A (NM_001386187.2); c.4253-4960C>A (NM_001386147.1); and 35 more; short protein forms S2337R, S2462R, S2454R, S1215R, S2415R.
Identifiers: ClinVar variation 4774162 (VCV004774162.1).

ClinVar aggregate classification (germline): Uncertain significance (1 of 4 stars; one submission).

Conditions:
Long QT syndrome (LQTS). Identifiers: MedGen C0023976, MeSH D008133, MONDO:0002442. Disease mechanism: loss of function. Inheritance: Various modes of inheritance.

Submission:

Labcorp Genetics (formerly Invitae), Labcorp
Classification: Uncertain significance for Long QT syndrome. Last evaluated: 2025-02-26. Review status: criteria provided, single submitter. Criteria: Invitae Variant Classification Sherloc (09022015). Collection method: clinical testing. Allele origin: germline.
Comment: This sequence change replaces serine, which is neutral and polar, with arginine, which is basic and polar, at codon 2415 of the ANK2 protein (p.Ser2415Arg). This variant is not present in population databases (gnomAD no frequency). This variant has not been reported in the literature in individuals affected with ANK2-related conditions. An algorithm developed to predict the effect of missense changes on protein structure and function outputs the following: PolyPhen-2: "Possibly Damaging". The arginine amino acid residue is found in multiple mammalian species, which suggests that this missense change does not adversely affect protein function. In summary, the available evidence is currently insufficient to determine the role of this variant in disease. Therefore, it has been classified as a Variant of Uncertain Significance.